The following is an entry in ClinVar:

ClinVar aggregate classification (germline): Uncertain significance (1 of 4 stars; one submission).

Conditions:
Hereditary spastic paraplegia 30. Identifiers: Orphanet 101010, MedGen C5235139, MONDO:0012476.
Neuropathy, hereditary sensory, type 2C. Also called: Hereditary sensory and autonomic neuropathy type IIC; KIF1A-Related HSAN2 (HSAN2C). Identifiers: Orphanet 970, MedGen C3280168, MONDO:0013634, OMIM 614213.
Intellectual disability, autosomal dominant 9 (NESCAVS). Also called: NESCAV SYNDROME; KIF1A-Related Neurodevelopmental Disorder. Identifiers: Orphanet 662367, MedGen C5393830, MONDO:0013656, OMIM 614255.

Submission:

Labcorp Genetics (formerly Invitae), Labcorp
Classification: Uncertain significance for Hereditary spastic paraplegia 30; Neuropathy, hereditary sensory, type 2C; Intellectual disability, autosomal dominant 9. Last evaluated: 2023-12-11. Review status: criteria provided, single submitter. Criteria: Invitae Variant Classification Sherloc (09022015). Collection method: clinical testing. Allele origin: germline.
Comment: This sequence change replaces alanine, which is neutral and non-polar, with aspartic acid, which is acidic and polar, at codon 1500 of the KIF1A protein (p.Ala1500Asp). This variant is not present in population databases (gnomAD no frequency). This variant has not been reported in the literature in individuals affected with KIF1A-related conditions. ClinVar contains an entry for this variant (Variation ID: 1992887). Advanced modeling of protein sequence and biophysical properties (such as structural, functional, and spatial information, amino acid conservation, physicochemical variation, residue mobility, and thermodynamic stability) performed at Invitae indicates that this missense variant is not expected to disrupt KIF1A protein function with a negative predictive value of 95%. In summary, the available evidence is currently insufficient to determine the role of this variant in disease. Therefore, it has been classified as a Variant of Uncertain Significance.

NM_001244008.2(KIF1A):c.4802C>A (p.Ala1601Asp)

Gene: KIF1A (kinesin family member 1A; minus strand). Cytogenetic location: 2q37.3.
Variant type: single nucleotide variant.
Coding change: c.4802C>A on transcript NM_001244008.2 (MANE Select); coding-DNA position 4802, C replaced by A.
Protein change: p.Ala1601Asp; replaces alanine 1601 with aspartic acid.
Molecular consequence: missense variant.
Genome position (GRCh38, 1-based): chr2:240,720,980, G>T on the plus strand (C>A on the coding strand, the complement: KIF1A is on the minus strand). VCF-style: chr2-240720980-G-T. GRCh37 (hg19) VCF-style: chr2-241660397-G-T.
Other names: c.4526C>A, p.Ala1509Asp (NM_001320705.2, NM_001379649.1); c.4553C>A, p.Ala1518Asp (NM_001330289.2); c.4601C>A, p.Ala1534Asp (NM_001330290.2, NM_001379648.1); c.4877C>A, p.Ala1626Asp (NM_001379631.1); c.4778C>A, p.Ala1593Asp (NM_001379632.1); c.4775C>A, p.Ala1592Asp (NM_001379633.1, NM_001379645.1); c.4628C>A, p.Ala1543Asp (NM_001379634.1); c.4625C>A, p.Ala1542Asp (NM_001379635.1, NM_001379646.1); and 7 more; short protein forms A1525D, A1593D, A1601D, A1499D, A1518D, A1543D, A1509D, A1517D.
Identifiers: ClinVar variation 1992887 (VCV001992887.4), dbSNP rs1280031550, ClinGen allele CA351301803.
Genomic context (GRCh38, chr2:240,720,980, plus strand): 5'-TCAGTGGCACCGTACCGCCCTTCAACCAGAGAGGGGCAAGTGGAGGAGGGGGTGAGAGTG[G>T]CCACCCCTAGAGGGGACATCGACGGGTCCCGGAGCAGGGTGACAGACATCTCGGAGAGCT-3'
Protein context (NP_001230937.1, residues 1591-1611): RDPSMSPLGV[Ala1601Asp]TLTPSSTCPS